The following is an entry in ClinVar:

NM_001365951.3(KIF1B):c.2687T>C (p.Phe896Ser)

Genes: KIF1B (kinesin family member 1B; plus strand), LOC126805614 (BRD4-independent group 4 enhancer GRCh37_chr1:10385546-10386745; plus strand). Cytogenetic location: 1p36.22.
Variant type: single nucleotide variant.
Coding change: c.2687T>C on transcript NM_001365951.3 (MANE Select); coding-DNA position 2687, T replaced by C.
Protein change: p.Phe896Ser; replaces phenylalanine 896 with serine.
Molecular consequence: missense variant.
Genome position (GRCh38, 1-based): chr1:10,326,122, T>C. VCF-style: chr1-10326122-T-C. GRCh37 (hg19) VCF-style: chr1-10386180-T-C.
Other names: c.2687T>C, p.Phe896Ser (NM_001365952.1); c.2549T>C, p.Phe850Ser (NM_015074.3); short protein forms F896S, F850S.
Identifiers: ClinVar variation 4543662 (VCV004543662.1).

ClinVar aggregate classification (germline): Uncertain significance (1 of 4 stars; one submission).

Submission:

Ambry Genetics
Classification: Uncertain significance. Last evaluated: 2025-11-01. Review status: criteria provided, single submitter. Criteria: Ambry Variant Classification Scheme 2023. Collection method: clinical testing. Allele origin: germline.
Comment: The p.F850S variant (also known as c.2549T>C), located in coding exon 24 of the KIF1B gene, results from a T to C substitution at nucleotide position 2549. The phenylalanine at codon 850 is replaced by serine, an amino acid with highly dissimilar properties. This amino acid position is conserved. In addition, this alteration is predicted to be deleterious by in silico analysis. Based on the available evidence, the clinical significance of this variant remains unclear.